The following is an entry in ClinVar:

ClinVar aggregate classification (germline): Uncertain significance (1 of 4 stars; one submission).

Conditions:
Duchenne muscular dystrophy (DMD). Also called: Duchenne Muscular Dystrophy (DMD); MUSCULAR DYSTROPHY, PSEUDOHYPERTROPHIC PROGRESSIVE, DUCHENNE TYPE. Identifiers: Orphanet 98896, MedGen C0013264, MONDO:0010679, OMIM 310200.

Allele frequency attached by ClinVar (database versions not stated): gnomAD exomes below 0.00001 and 0.00001; ExAC 0.00001.
gnomAD v4.1: 3 of 1,208,002 alleles (0.00025%); highest among the groups gnomAD compares: Non-Finnish European, 0.00022%; no homozygotes.

Submission:

Labcorp Genetics (formerly Invitae), Labcorp
Classification: Uncertain significance for Duchenne muscular dystrophy. Last evaluated: 2024-07-11. Review status: criteria provided, single submitter. Criteria: Invitae Variant Classification Sherloc (09022015). Collection method: clinical testing. Allele origin: germline.
Comment: This sequence change replaces isoleucine, which is neutral and non-polar, with valine, which is neutral and non-polar, at codon 3336 of the DMD protein (p.Ile3336Val). This variant is present in population databases (rs756953567, gnomAD 0.001%). This variant has not been reported in the literature in individuals affected with DMD-related conditions. ClinVar contains an entry for this variant (Variation ID: 1487712). Advanced modeling of protein sequence and biophysical properties (such as structural, functional, and spatial information, amino acid conservation, physicochemical variation, residue mobility, and thermodynamic stability) performed at Invitae indicates that this missense variant is not expected to disrupt DMD protein function with a negative predictive value of 95%. In summary, the available evidence is currently insufficient to determine the role of this variant in disease. Therefore, it has been classified as a Variant of Uncertain Significance.

NM_004006.3(DMD):c.10006A>G (p.Ile3336Val)

Gene: DMD (dystrophin; minus strand). Cytogenetic location: Xp21.2.
Variant type: single nucleotide variant.
Coding change: c.10006A>G on transcript NM_004006.3 (MANE Select); coding-DNA position 10006, A replaced by G.
Protein change: p.Ile3336Val; replaces isoleucine 3336 with valine.
Molecular consequence: missense variant.
Genome position (GRCh38, 1-based): chrX:31,180,450, T>C on the plus strand (A>G on the coding strand, the complement: DMD is on the minus strand). VCF-style: chrX-31180450-T-C. GRCh37 (hg19) VCF-style: chrX-31198567-T-C.
Other names: c.9982A>G, p.Ile3328Val (NM_000109.4); c.9994A>G, p.Ile3332Val (NM_004009.3); c.9637A>G, p.Ile3213Val (NM_004010.3); c.5983A>G, p.Ile1995Val (NM_004011.4); c.5974A>G, p.Ile1992Val (NM_004012.4); c.2626A>G, p.Ile876Val (NM_004013.3, NM_004020.4, NM_004021.3 and 2 more transcripts); c.1819A>G, p.Ile607Val (NM_004014.3); c.802A>G, p.Ile268Val (NM_004015.3, NM_004016.3, NM_004017.3 and 2 more transcripts); short protein forms I3336V, I607V, I876V, I1992V, I1995V, I3213V, I3328V, I268V.
Identifiers: ClinVar variation 1487712 (VCV001487712.5), dbSNP rs756953567, ClinGen allele CA10377707.
Genomic context (GRCh38, chrX:31,180,450, plus strand): 5'-TGGGATAGTGCATTTTATGGCCTTTTGCAACTCGACCAGAAAAAAAGCAGCTTTGGCAGA[T>C]GTCATAATTAAAGTGCTTTAGACTCCTGTACCTGATAAAGAGCAAAAACAAACACGTATG-3'
Protein context (NP_003997.2, residues 3326-3346): YRSLKHFNYD[Ile3336Val]CQSCFFSGRV